The following is an entry in ClinVar:

NM_000234.3(LIG1):c.287C>A (p.Ala96Asp)

Gene: LIG1 (DNA ligase 1; minus strand). Cytogenetic location: 19q13.33.
Variant type: single nucleotide variant.
Coding change: c.287C>A on transcript NM_000234.3 (MANE Select); coding-DNA position 287, C replaced by A.
Protein change: p.Ala96Asp; replaces alanine 96 with aspartic acid.
Molecular consequence: missense variant. On other transcripts: non-coding transcript variant (6).
Genome position (GRCh38, 1-based): chr19:48,157,097, G>T on the plus strand (C>A on the coding strand, the complement: LIG1 is on the minus strand). VCF-style: chr19-48157097-G-T. GRCh37 (hg19) VCF-style: chr19-48660354-G-T.
Other names: c.197C>A, p.Ala66Asp (NM_001289063.2, NM_001320971.2); c.287C>A, p.Ala96Asp (NM_001289064.2, NM_001320970.2); short protein forms A66D, A96D.
Identifiers: ClinVar variation 2003889 (VCV002003889.4), dbSNP rs1675421133, ClinGen allele CA406659060.

ClinVar aggregate classification (germline): Uncertain significance (1 of 4 stars; one submission).

Submission:

Labcorp Genetics (formerly Invitae), Labcorp
Classification: Uncertain significance. Last evaluated: 2022-09-07. Review status: criteria provided, single submitter. Criteria: Invitae Variant Classification Sherloc (09022015). Collection method: clinical testing. Allele origin: germline.
Comment: In summary, the available evidence is currently insufficient to determine the role of this variant in disease. Therefore, it has been classified as a Variant of Uncertain Significance. Algorithms developed to predict the effect of missense changes on protein structure and function output the following: SIFT: "Tolerated"; PolyPhen-2: "Benign"; Align-GVGD: "Class C0". The aspartic acid amino acid residue is found in multiple mammalian species, which suggests that this missense change does not adversely affect protein function. This variant has not been reported in the literature in individuals affected with LIG1-related conditions. This variant is not present in population databases (gnomAD no frequency). This sequence change replaces alanine, which is neutral and non-polar, with aspartic acid, which is acidic and polar, at codon 96 of the LIG1 protein (p.Ala96Asp).